The following is an entry in ClinVar:

NM_001267550.2(TTN):c.68059G>T (p.Val22687Leu)

Genes: TTN (titin; minus strand), TTN-AS1 (TTN antisense RNA 1; plus strand), LOC126806423 (CDK7 strongly-dependent group 2 enhancer GRCh37_chr2:179443309-179444508; plus strand). Cytogenetic location: 2q31.2.
Variant type: single nucleotide variant.
Coding change: c.68059G>T on transcript NM_001267550.2 (MANE Select); coding-DNA position 68059, G replaced by T.
Protein change: p.Val22687Leu; replaces valine 22687 with leucine.
Molecular consequence: missense variant.
Genome position (GRCh38, 1-based): chr2:178,578,971, C>A on the plus strand (G>T on the coding strand, the complement: TTN is on the minus strand). VCF-style: chr2-178578971-C-A. GRCh37 (hg19) VCF-style: chr2-179443698-C-A.
Other names: p.Val21046Leu; c.63136G>T, p.Val21046Leu (NM_001256850.1); c.40864G>T, p.Val13622Leu (NM_003319.4); c.60355G>T, p.Val20119Leu (NM_133378.4); c.41239G>T, p.Val13747Leu (NM_133432.3); c.41440G>T, p.Val13814Leu (NM_133437.4); short protein forms V13622L, V13747L, V13814L, V20119L, V21046L, V22687L.
Identifiers: ClinVar variation 2682769 (VCV002682769.1), dbSNP rs2468863056, ClinGen allele CA349421831.

ClinVar aggregate classification (germline): Uncertain significance (1 of 4 stars; one submission).

Submission:

Mayo Clinic Laboratories, Mayo Clinic
Classification: Uncertain significance. Last evaluated: 2022-09-06. Review status: criteria provided, single submitter. Criteria: ACMG Guidelines, 2015. Collection method: clinical testing. Allele origin: germline. Observed: 1 variant allele.
Comment: BP1, BP4, PM2_supporting